The following is an entry in ClinVar:

ClinVar aggregate classification (germline): Uncertain significance (1 of 4 stars; one submission).

Conditions:
Hereditary cancer-predisposing syndrome. Also called: Hereditary Cancer Syndrome; Tumor predisposition; Hereditary neoplastic syndrome; Neoplastic Syndromes, Hereditary. Identifiers: Orphanet 140162, MedGen C0027672, MeSH D009386, MONDO:0015356.

Submission:

Ambry Genetics
Classification: Uncertain significance for Hereditary cancer-predisposing syndrome. Last evaluated: 2024-05-14. Review status: criteria provided, single submitter. Criteria: Ambry Variant Classification Scheme 2023. Collection method: clinical testing. Allele origin: germline.
Comment: The p.V477A variant (also known as c.1430T>C), located in coding exon 6 of the BARD1 gene, results from a T to C substitution at nucleotide position 1430. The valine at codon 477 is replaced by alanine, an amino acid with similar properties. This amino acid position is highly conserved in available vertebrate species. In addition, the in silico prediction for this alteration is inconclusive. Based on the available evidence, the clinical significance of this variant remains unclear.

NM_000465.4(BARD1):c.1430T>C (p.Val477Ala)

Gene: BARD1 (BRCA1 associated RING domain 1; minus strand). Cytogenetic location: 2q35.
Variant type: single nucleotide variant.
Coding change: c.1430T>C on transcript NM_000465.4 (MANE Select); coding-DNA position 1430, T replaced by C.
Protein change: p.Val477Ala; replaces valine 477 with alanine.
Molecular consequence: missense variant. On other transcripts: non-coding transcript variant (3), intron variant (3).
Genome position (GRCh38, 1-based): chr2:214,767,620, A>G on the plus strand (T>C on the coding strand, the complement: BARD1 is on the minus strand). VCF-style: chr2-214767620-A-G. GRCh37 (hg19) VCF-style: chr2-215632344-A-G.
Other names: c.1373T>C, p.Val458Ala (NM_001282543.2); c.159-15065T>C (NM_001282548.2); c.216-15065T>C (NM_001282545.2); c.364+24677T>C (NM_001282549.2); short protein forms V458A, V477A.
Identifiers: ClinVar variation 3260439 (VCV003260439.1).
Genomic context (GRCh38, chr2:214,767,620, plus strand): 5'-GGTGAGTCATTTTGATACCCGGTGGTGTTCACCAATGCCTTATGCTGGAGCAATAATTCC[A>G]CTACCTTCAGGTGCCCATGATTGCAAGCTTCATGCTAATTAAATTTTTTGAAAAAGAAGT-3'
Protein context (NP_000456.2, residues 467-487): EACNHGHLKV[Val477Ala]ELLLQHKALV